The following is an entry in ClinVar:

NC_000002.11:g.(?_32358030)_(32362241_?)del

Gene: SPAST (spastin; plus strand). Cytogenetic location: 2p22.3.
Variant type: Deletion.
Identifiers: ClinVar variation 1456447 (VCV001456447.5).

ClinVar aggregate classification (germline): Pathogenic (1 of 4 stars; one submission).

Conditions:
Hereditary spastic paraplegia 4. Also called: Spastic paraplegia 4, autosomal dominant; Spastic Paraplegia 4; Familial spastic paraplegia autosomal dominant 2. Identifiers: Orphanet 100985, MedGen C1866855, MONDO:0008438, OMIM 182601.

Submission:

Labcorp Genetics (formerly Invitae), Labcorp
Classification: Pathogenic for Hereditary spastic paraplegia 4. Last evaluated: 2023-07-11. Review status: criteria provided, single submitter. Criteria: Invitae Variant Classification Sherloc (09022015). Collection method: clinical testing. Allele origin: germline.
Comment: This variant results in the deletion of exons 10-11 and part of exon 12 (c.1246-3602_1477delins91) of the SPAST gene. It is expected to disrupt RNA splicing. Variants that disrupt the donor or acceptor splice site typically lead to a loss of protein function (PMID: 16199547), and loss-of-function variants in SPAST are known to be pathogenic (PMID: 20932283). This variant has not been reported in the literature in individuals affected with SPAST-related conditions. This variant disrupts a region of the SPAST protein in which other variant(s) (p.Leu426Phe) have been determined to be pathogenic (PMID: 20214791, 29761117, 29934652; Invitae). This suggests that this is a clinically significant region of the protein, and that variants that disrupt it are likely to be disease-causing. For these reasons, this variant has been classified as Pathogenic.

Literature cited by the submitters: PubMed 16199547; PubMed 20932283; PubMed 20214791; PubMed 29761117; PubMed 29934652.